The following is an entry in ClinVar:

NM_024876.4(COQ8B):c.262C>T (p.Arg88Cys)

Gene: COQ8B (coenzyme Q8B; minus strand). Cytogenetic location: 19q13.2.
Variant type: single nucleotide variant.
Coding change: c.262C>T on transcript NM_024876.4 (MANE Select); coding-DNA position 262, C replaced by T.
Protein change: p.Arg88Cys; replaces arginine 88 with cysteine.
Molecular consequence: missense variant.
Genome position (GRCh38, 1-based): chr19:40,714,094, G>A on the plus strand (C>T on the coding strand, the complement: COQ8B is on the minus strand). VCF-style: chr19-40714094-G-A. GRCh37 (hg19) VCF-style: chr19-41219999-G-A.
Other names: p.Arg88Cys; c.262C>T, p.Arg88Cys (NM_001142555.3); short protein forms R88C.
Identifiers: ClinVar variation 3619293 (VCV003619293.3).

ClinVar aggregate classification (germline): Uncertain significance. Review status: criteria provided, multiple submitters, no conflicts (2 of 4 stars). 2 submissions from 2 submitters: Uncertain significance (2). Last evaluated 2025-03-18.

Submissions (2):

Mayo Clinic Laboratories, Mayo Clinic
Classification: Uncertain significance. Last evaluated: 2025-03-18. Review status: criteria provided, single submitter. Criteria: ACMG Guidelines, 2015. Collection method: clinical testing. Allele origin: germline. Observed: 1 variant allele.
Comment: PP3_moderate, PM2_supporting

Labcorp Genetics (formerly Invitae), Labcorp
Classification: Uncertain significance. Last evaluated: 2024-08-13. Review status: criteria provided, single submitter. Criteria: Invitae Variant Classification Sherloc (09022015). Collection method: clinical testing. Allele origin: germline.
Comment: This sequence change replaces arginine, which is basic and polar, with cysteine, which is neutral and slightly polar, at codon 88 of the COQ8B protein (p.Arg88Cys). This variant is present in population databases (rs748263613, gnomAD 0.009%). This variant has not been reported in the literature in individuals affected with COQ8B-related conditions. Advanced modeling of protein sequence and biophysical properties (such as structural, functional, and spatial information, amino acid conservation, physicochemical variation, residue mobility, and thermodynamic stability) performed at Invitae indicates that this missense variant is expected to disrupt COQ8B protein function with a positive predictive value of 95%. In summary, the available evidence is currently insufficient to determine the role of this variant in disease. Therefore, it has been classified as a Variant of Uncertain Significance.